The following is an entry in ClinVar:

NM_000512.5(GALNS):c.1365-1G>A

Genes: GALNS (galactosamine (N-acetyl)-6-sulfatase; minus strand), LOC126862447 (CDK7 strongly-dependent group 2 enhancer GRCh37_chr16:88884193-88885392; plus strand). Cytogenetic location: 16q24.3.
Variant type: single nucleotide variant.
Coding change: c.1365-1G>A on transcript NM_000512.5 (MANE Select); the canonical splice acceptor site of the intron before coding-DNA position 1365, G replaced by A.
Molecular consequence: splice acceptor variant.
Genome position (GRCh38, 1-based): chr16:88,818,125, C>T on the plus strand (G>A on the coding strand, the complement: GALNS is on the minus strand). VCF-style: chr16-88818125-C-T. GRCh37 (hg19) VCF-style: chr16-88884533-C-T.
Other names: c.810-1G>A (NM_001323543.2); c.1383-1G>A (NM_001323544.2).
Identifiers: ClinVar variation 1048510 (VCV001048510.3), dbSNP rs1909832718, ClinGen allele CA397094739.

ClinVar aggregate classification (germline): Likely pathogenic (1 of 4 stars; one submission).

Conditions:
Mucopolysaccharidosis, MPS-IV-A (MPS4A). Also called: Mucopolysaccharidosis type IV A; Mucopolysaccharidosis Type IVA; Morquio syndrome A, mild; MORQUIO SYNDROME A; MPS IVA; mucopolysaccharidosis type 4A. Identifiers: Orphanet 309297, Orphanet 582, MedGen C0086651, MONDO:0009659, OMIM 253000.

Allele frequency attached by ClinVar (database versions not stated): gnomAD exomes below 0.00001.
gnomAD v4.1: 1 of 1,572,114 alleles (0.000064%); highest among the groups gnomAD compares: East Asian, 0.0023%; no homozygotes.

Submission:

Laboratory of Diagnosis and Therapy of Lysosomal Disorders, University of Padova
Classification: Likely pathogenic for Mucopolysaccharidosis, MPS-IV-A. Last evaluated: 2021-02-01. Review status: criteria provided, single submitter. Criteria: ACMG Guidelines, 2015. Collection method: curation. Allele origin: germline. Affected: yes.
Comment: Splicing variant in canonical site (PVS1_very strong); absent fromgnomAD v2.1.1 (PM2_moderate)

Literature cited by the submitters: PubMed 25545067; PubMed 34387910.